The following is an entry in ClinVar:

NM_006922.4(SCN3A):c.893C>T (p.Thr298Ile)

Gene: SCN3A (sodium voltage-gated channel alpha subunit 3; minus strand). Cytogenetic location: 2q24.3.
Variant type: single nucleotide variant.
Coding change: c.893C>T on transcript NM_006922.4 (MANE Select); coding-DNA position 893, C replaced by T.
Protein change: p.Thr298Ile; replaces threonine 298 with isoleucine.
Molecular consequence: missense variant.
Genome position (GRCh38, 1-based): chr2:165,162,630, G>A on the plus strand (C>T on the coding strand, the complement: SCN3A is on the minus strand). VCF-style: chr2-165162630-G-A. GRCh37 (hg19) VCF-style: chr2-166019140-G-A.
Other names: c.893C>T, p.Thr298Ile (NM_001081676.2, NM_001081677.2); short protein forms T298I.
Identifiers: ClinVar variation 938314 (VCV000938314.10), dbSNP rs749622694, ClinGen allele CA1939313.

ClinVar aggregate classification (germline): Uncertain significance. Review status: criteria provided, multiple submitters, no conflicts (2 of 4 stars). 2 submissions from 2 submitters: Uncertain significance (2). Last evaluated 2025-06-01.

Allele frequency attached by ClinVar (database versions not stated): gnomAD exomes 0.00001; TOPMed 0.00001; ExAC 0.00002.
gnomAD v4.1: 12 of 1,614,138 alleles (0.00074%); highest among the groups gnomAD compares: Non-Finnish European, 0.001%; no homozygotes.

Submissions (2):

Labcorp Genetics (formerly Invitae), Labcorp
Classification: Uncertain significance. Last evaluated: 2025-06-01. Review status: criteria provided, single submitter. Criteria: Invitae Variant Classification Sherloc (09022015). Collection method: clinical testing. Allele origin: germline.
Comment: This sequence change replaces threonine, which is neutral and polar, with isoleucine, which is neutral and non-polar, at codon 298 of the SCN3A protein (p.Thr298Ile). This variant is present in population databases (rs749622694, gnomAD 0.0009%). This variant has not been reported in the literature in individuals affected with SCN3A-related conditions. ClinVar contains an entry for this variant (Variation ID: 938314). Invitae Evidence Modeling of protein sequence and biophysical properties (such as structural, functional, and spatial information, amino acid conservation, physicochemical variation, residue mobility, and thermodynamic stability) indicates that this missense variant is not expected to disrupt SCN3A protein function with a negative predictive value of 95%. In summary, the available evidence is currently insufficient to determine the role of this variant in disease. Therefore, it has been classified as a Variant of Uncertain Significance.

GeneDx
Classification: Uncertain significance. Last evaluated: 2024-03-12. Review status: criteria provided, single submitter. Criteria: GeneDx Variant Classification Process June 2021. Collection method: clinical testing. Allele origin: germline. Affected: yes.
Comment: In silico analysis supports that this missense variant has a deleterious effect on protein structure/function; Has not been previously published as pathogenic or benign to our knowledge